The following is an entry in ClinVar:

NM_004408.4(DNM1):c.1885C>T (p.Arg629Cys)

Gene: DNM1 (dynamin 1; plus strand). Cytogenetic location: 9q34.11.
Variant type: single nucleotide variant.
Coding change: c.1885C>T on transcript NM_004408.4 (MANE Select); coding-DNA position 1885, C replaced by T.
Protein change: p.Arg629Cys; replaces arginine 629 with cysteine.
Molecular consequence: missense variant.
Genome position (GRCh38, 1-based): chr9:128,247,478, C>T. VCF-style: chr9-128247478-C-T. GRCh37 (hg19) VCF-style: chr9-131009757-C-T.
Other names: c.1885C>T, p.Arg629Cys (NM_001005336.3, NM_001288737.2, NM_001288738.2 and 2 more transcripts); short protein forms R629C.
Identifiers: ClinVar variation 2792996 (VCV002792996.3), dbSNP rs772740654, ClinGen allele CA5258343.

ClinVar aggregate classification (germline): Uncertain significance (1 of 4 stars; one submission).

Conditions:
Developmental and epileptic encephalopathy, 31A. Also called: Epileptic encephalopathy, early infantile, 31; Developmental and epileptic encephalopathy, 31. Identifiers: Orphanet 2382, MedGen C4225357, MONDO:0014598, OMIM 616346.

Allele frequency attached by ClinVar (database versions not stated): gnomAD exomes below 0.00001; ExAC 0.00001.
gnomAD v4.1: 3 of 1,607,780 alleles (0.00019%); highest among the groups gnomAD compares: Admixed American, 0.0017%; no homozygotes.

Submission:

Labcorp Genetics (formerly Invitae), Labcorp
Classification: Uncertain significance for Developmental and epileptic encephalopathy, 31A. Last evaluated: 2023-12-28. Review status: criteria provided, single submitter. Criteria: Invitae Variant Classification Sherloc (09022015). Collection method: clinical testing. Allele origin: germline.
Comment: This sequence change replaces arginine, which is basic and polar, with cysteine, which is neutral and slightly polar, at codon 629 of the DNM1 protein (p.Arg629Cys). The frequency data for this variant in the population databases is considered unreliable, as metrics indicate poor data quality at this position in the gnomAD database. This variant has not been reported in the literature in individuals affected with DNM1-related conditions. Advanced modeling of protein sequence and biophysical properties (such as structural, functional, and spatial information, amino acid conservation, physicochemical variation, residue mobility, and thermodynamic stability) has been performed at Invitae for this missense variant, however the output from this modeling did not meet the statistical confidence thresholds required to predict the impact of this variant on DNM1 protein function. In summary, the available evidence is currently insufficient to determine the role of this variant in disease. Therefore, it has been classified as a Variant of Uncertain Significance.